The following is an entry in ClinVar:

ClinVar aggregate classification (germline): Pathogenic/Likely pathogenic. Review status: criteria provided, multiple submitters, no conflicts (2 of 4 stars). 20 submissions from 20 submitters: Pathogenic (14); Likely pathogenic (2). 4 of the submissions do not count toward it. Last evaluated 2025-10-27.

Conditions:
Early-infantile DEE. Also called: Early infantile epileptic encephalopathy; Early infantile epileptic encephalopathy with suppression bursts; Ohtahara syndrome. Identifiers: Orphanet 1934, MedGen C0393706, MONDO:0800491.
SCN8A-related disorder.
Inborn genetic diseases. Identifiers: MedGen C0950123, MeSH D030342.
Seizures, benign familial infantile, 5 (BFIS5). Also called: CONVULSIONS, BENIGN FAMILIAL INFANTILE, 5. Identifiers: Orphanet 306, MedGen C4310728, MONDO:0014903, OMIM 617080.
Cognitive impairment with or without cerebellar ataxia (CIAT). Identifiers: MedGen C3280415, MONDO:0013680, OMIM 614306.
Developmental and epileptic encephalopathy, 13 (DEE13). Also called: SCN8A-Related Epilepsy; Early infantile epileptic encephalopathy 13; Developmental and Epileptic Encephalopathy (SCN8A-DEE). Identifiers: Orphanet 442835, MedGen C3281191, MONDO:0013801, OMIM 614558.
West syndrome. Also called: Infantile epileptic spasms syndrome. Identifiers: Orphanet 3451, Orphanet 697160, MedGen C0037769, MONDO:0018097. Disease mechanism: loss of function.

Submissions 1 to 11 of 21:

Labcorp Genetics (formerly Invitae), Labcorp
Classification: Pathogenic for Early-infantile DEE. Last evaluated: 2025-10-27. Review status: criteria provided, single submitter. Criteria: Invitae Variant Classification Sherloc (09022015). Collection method: clinical testing. Allele origin: germline.
Comment: This sequence change replaces arginine, which is basic and polar, with glutamine, which is neutral and polar, at codon 850 of the SCN8A protein (p.Arg850Gln). This variant is not present in population databases (gnomAD no frequency). This missense change has been observed in individual(s) with epileptic encephalopathy (PMID: 25785782, 27779742, 28923014, 29186148, 29720203). In at least one individual the variant was observed to be de novo. ClinVar contains an entry for this variant (Variation ID: 135651). Invitae Evidence Modeling of protein sequence and biophysical properties (such as structural, functional, and spatial information, amino acid conservation, physicochemical variation, residue mobility, and thermodynamic stability) indicates that this missense variant is expected to disrupt SCN8A protein function with a positive predictive value of 95%. This variant disrupts the p.Arg850 amino acid residue in SCN8A. Other variant(s) that disrupt this residue have been observed in individuals with SCN8A-related conditions (PMID: 30171078), which suggests that this may be a clinically significant amino acid residue. For these reasons, this variant has been classified as Pathogenic.

3billion
Classification: Pathogenic for Developmental and epileptic encephalopathy, 13. Last evaluated: 2025-08-11. Review status: criteria provided, single submitter. Criteria: ACMG Guidelines, 2015. Collection method: clinical testing. Allele origin: germline. Affected: yes.
Comment: The variant is not observed in the gnomAD v4.1.0 dataset. Predicted Consequence/Location: Missense variant In silico tool predictions suggest damaging effect of the variant on gene or gene product [REVEL: 0.99 (>=0.6, sensitivity 0.68 and specificity 0.92); 3Cnet: 0.99 (> 0.75, sensitivity 0.96 and precision 0.92)]. The same nucleotide change resulting in the same amino acid change has been previously reported as pathogenic/likely pathogenic with strong evidence (ClinVar ID: VCV000135651 /PMID: 25785782 /3billion dataset). The variant has been previously reported as assumed (i.e. paternity and maternity not confirmed) de novo in at least one similarly affected unrelated individual (PMID: 2578578). Different missense changes at the same codon (p.Arg850Gly, p.Arg850Leu) have been reported to be associated with SCN8A-related disorder (ClinVar ID: VCV001526183 /PMID: 30171078, 30868116 /3billion dataset). Therefore, this variant is classified as Pathogenic according to the recommendation of ACMG/AMP guideline.

Department of Genetics, Rouen University Hospital, Normandy Center for Genomic and Personalized Medicine
Classification: Pathogenic for Developmental and epileptic encephalopathy, 13. Last evaluated: 2025-04-16. Review status: criteria provided, single submitter. Criteria: ACMG Guidelines, 2015. Collection method: clinical testing. Allele origin: de novo. Affected: yes.

CeGaT Center for Human Genetics Tuebingen
Classification: Pathogenic. Last evaluated: 2025-03-01. Review status: criteria provided, single submitter. Criteria: CeGaT Center For Human Genetics Tuebingen Variant Classification Criteria Version 2. Collection method: clinical testing. Allele origin: germline. Affected: yes. Observed: 1 variant allele.
Comment: SCN8A: PS2, PM1, PM2, PM5, PS4:Moderate, PP2, PP3, PS3:Supporting

SIB Swiss Institute of Bioinformatics
Classification: Pathogenic for Developmental and epileptic encephalopathy, 13. Last evaluated: 2024-10-29. Review status: criteria provided, single submitter. Criteria: ACMG Guidelines, 2015. Collection method: curation. Allele origin: unknown. Inheritance: Autosomal dominant inheritance.
Comment: This variant is interpreted as Pathogenic for developmental and epileptic encephalopathy 13. This missense change is absent from large population cohorts (gnomAD v4.1.0 PM2_supporting); it has been observed as de novo variant in multiple unrelated individuals with epileptic encephalopathies (PMID: 25785782; 27779742; 29720203 PS2_strong and PS4_moderate); computational evidence strongly support a damaging effect on gene or gene product (Revel 0,987 PP3_Strong); functional assays show that the variant affects channel properties and function (PMID: 31715021 PS3_moderate).

PreventionGenetics, part of Exact Sciences
Classification: Pathogenic for SCN8A-related condition. Last evaluated: 2024-10-25. Review status: criteria provided, single submitter. Criteria: ACMG Guidelines, 2015. Collection method: clinical testing. Allele origin: germline.
Comment: The SCN8A c.2549G>A variant is predicted to result in the amino acid substitution p.Arg850Gln. This variant has been frequently reported to occur de novo in an individuals with epileptic encephalopathy/intellectual disability phenotypes (Table 1, Kong et al. 2015. PubMed ID: 25785782; Table 3, Miller et al. 2020. PubMed ID: 32371413; Table 1, Staněk et al. 2018. PubMed ID: 29720203; Table 2, Freed et al. 2020. PubMed ID: 32553838). This variant has not been reported in a large population database (gnomAD), indicating this variant is rare. This variant is interpreted as pathogenic.

Unidad de Genómica Garrahan, Hospital de Pediatría Garrahan
Classification: Likely pathogenic for West syndrome. Last evaluated: 2023-12-15. Review status: criteria provided, single submitter. Criteria: ACMG Guidelines, 2015. Collection method: clinical testing. Allele origin: de novo. Affected: yes. Observed: 1 variant allele.

Institute of Medical Genetics and Applied Genomics, University Hospital Tübingen
Classification: Pathogenic for Cognitive impairment with or without cerebellar ataxia. Last evaluated: 2023-05-02. Review status: criteria provided, single submitter. Criteria: ACMG Guidelines, 2015. Collection method: clinical testing. Allele origin: germline. Inheritance: Autosomal dominant inheritance. Affected: yes.

GeneDx
Classification: Pathogenic. Last evaluated: 2022-05-27. Review status: criteria provided, single submitter. Criteria: GeneDx Variant Classification Process June 2021. Collection method: clinical testing. Allele origin: germline. Affected: yes.
Comment: Not observed at significant frequency in large population cohorts (gnomAD); Missense variants in this gene are often considered pathogenic (HGMD); In silico analysis supports that this missense variant has a deleterious effect on protein structure/function; This variant is associated with the following publications: (PMID: 29720203, 25785782, 25326637, 29186148, 27779742, 28923014, 31302675, 32090326, 32139178, 32695065, 32371413, 34426522, 32969205)

Institute of Human Genetics, University of Leipzig Medical Center
Classification: Pathogenic for Developmental and epileptic encephalopathy, 13. Last evaluated: 2019-01-01. Review status: criteria provided, single submitter. Criteria: ACMG Guidelines, 2015. Collection method: clinical testing. Allele origin: unknown. Affected: yes.

Institute for Genomic Medicine (IGM) Clinical Laboratory, Nationwide Children's Hospital
Classification: Pathogenic for Cognitive impairment with or without cerebellar ataxia; Developmental and epileptic encephalopathy, 13; Seizures, benign familial infantile, 5. Last evaluated: 2018-09-29. Review status: criteria provided, single submitter. Criteria: ACMG Guidelines, 2015. Collection method: clinical testing. Allele origin: germline. Affected: yes.
Comment: [ACMG/AMP: PS2, PM1, PM2, PP2, PP3, PP5] This alteration is de novo in origin as it was not detected in the submitted parental specimens (identity confirmed) [PS2], is located in a mutational hotspot and/or critical and well-established functional domain [PM1], is absent from or rarely observed in large-scale population databases [PM2], is a missense variant in a gene in which missense variants are a common mechanism of disease [PP2], is predicted to be damaging by multiple functional prediction tools [PP3], was reported as a pathogenic/likely pathogenic alteration by a reputable source (ClinVar or other correspondence from a clinical testing laboratory) [PP5].

NM_001330260.2(SCN8A):c.2549G>A (p.Arg850Gln)

Gene: SCN8A (sodium voltage-gated channel alpha subunit 8; plus strand). Cytogenetic location: 12q13.13.
Variant type: single nucleotide variant.
Coding change: c.2549G>A on transcript NM_001330260.2 (MANE Select); coding-DNA position 2549, G replaced by A.
Protein change: p.Arg850Gln; replaces arginine 850 with glutamine.
Molecular consequence: missense variant.
Genome position (GRCh38, 1-based): chr12:51,765,675, G>A. VCF-style: chr12-51765675-G-A. GRCh37 (hg19) VCF-style: chr12-52159459-G-A.
Other names: NM_001177984.2(SCN8A):c.2549G>A(p.Arg850Gln); NM_014191.3(SCN8A):c.2549G>A(p.Arg850Gln); NP_055006.1:p.(Arg850Gln); p.(Arg850Gln); c.2549G>A, p.Arg850Gln (NM_001177984.3, NM_001369788.1, NM_014191.4); short protein forms R850Q.
Identifiers: ClinVar variation 135651 (VCV000135651.42), dbSNP rs587780586, ClinGen allele CA163107.
Genomic context (GRCh38, chr12:51,765,675, plus strand): 5'-TGAGAAAATTGATTGAGTATCATTTATTTTTTTGTTTGGGTTTTTTTTTTCCTTAGCTCC[G>A]AGTCTTCAAATTGGCCAAATCCTGGCCCACCCTGAACATGCTAATCAAGATTATTGGAAA-3'
Protein context (NP_001317189.1, residues 840-860): LSVLRSFRLL[Arg850Gln]VFKLAKSWPT